The following is an entry in ClinVar:

ClinVar aggregate classification (germline): Uncertain significance (1 of 4 stars; one submission).

gnomAD v4.1: 2 of 1,604,382 alleles (0.00012%); highest among the groups gnomAD compares: Admixed American, 0.0017%; no homozygotes.

Submission:

Women's Health and Genetics/Laboratory Corporation of America, LabCorp
Classification: Uncertain significance. Last evaluated: 2025-09-04. Review status: criteria provided, single submitter. Criteria: LabCorp Variant Classification Summary - May 2015. Collection method: clinical testing. Allele origin: germline.
Comment: Variant summary: SURF1 c.770G>C (p.Gly257Ala) results in a non-conservative amino acid change in the encoded protein sequence. Algorithms developed to predict the effect of missense changes on protein structure and function all suggest that this variant is likely to be disruptive. The frequency data for this variant in gnomAD is considered unreliable, as metrics indicate poor data quality at this position. To our knowledge, no occurrence of c.770G>C in individuals affected with SURF1-related conditions and no experimental evidence demonstrating its impact on protein function have been reported. No submitters have cited clinical-significance assessments for this variant to ClinVar. Based on the evidence outlined above, the variant was classified as uncertain significance.

NM_003172.4(SURF1):c.770G>C (p.Gly257Ala)

Gene: SURF1 (SURF1 cytochrome c oxidase assembly factor; minus strand). Cytogenetic location: 9q34.2.
Variant type: single nucleotide variant.
Coding change: c.770G>C on transcript NM_003172.4 (MANE Select); coding-DNA position 770, G replaced by C.
Protein change: p.Gly257Ala; replaces glycine 257 with alanine.
Molecular consequence: missense variant.
Genome position (GRCh38, 1-based): chr9:133,352,124, C>G on the plus strand (G>C on the coding strand, the complement: SURF1 is on the minus strand). VCF-style: chr9-133352124-C-G. GRCh37 (hg19) VCF-style: chr9-136218979-C-G.
Other names: c.443G>C, p.Gly148Ala (NM_001280787.1); short protein forms G148A, G257A.
Identifiers: ClinVar variation 4535777 (VCV004535777.1).